The following is an entry in ClinVar:

NM_001111125.3(IQSEC2):c.3548C>T (p.Pro1183Leu)

Gene: IQSEC2 (IQ motif and Sec7 domain ArfGEF 2; minus strand). Cytogenetic location: Xp11.22.
Variant type: single nucleotide variant.
Coding change: c.3548C>T on transcript NM_001111125.3 (MANE Select); coding-DNA position 3548, C replaced by T.
Protein change: p.Pro1183Leu; replaces proline 1183 with leucine.
Molecular consequence: missense variant. On other transcripts: 3 prime UTR variant (1).
Genome position (GRCh38, 1-based): chrX:53,235,138, G>A on the plus strand (C>T on the coding strand, the complement: IQSEC2 is on the minus strand). VCF-style: chrX-53235138-G-A. GRCh37 (hg19) VCF-style: chrX-53264320-G-A.
Other names: c.*33C>T (NM_015075.2); short protein forms P1183L.
Identifiers: ClinVar variation 432902 (VCV000432902.4), dbSNP rs1302692296, ClinGen allele CA413142507.
Genomic context (GRCh38, chrX:53,235,138, plus strand): 5'-GATGAGGAGTTGGAGACGGGCCTCTGGCTCTTGTACTCCTCTGGCGGCGGGGGTGGGGGC[G>A]GAGGTGGCATCCTCTGGTGAGGGCGTGGACTGCTAATAACAGACCCCTGGAAGCGGGGAG-3'
Protein context (NP_001104595.1, residues 1173-1193): SPRPHQRMPP[Pro1183Leu]PPPPPPEEYK

ClinVar aggregate classification (germline): Conflicting classifications of pathogenicity. Review status: criteria provided, conflicting classifications (1 of 4 stars). 2 submissions from 2 submitters: Uncertain significance (1); Likely benign (1). Last evaluated 2024-12-17.

Conditions:
Intellectual developmental disorder, X-linked 1. Also called: Intellectual disability, X-linked 1; Atkin Flaitz Patil Smith syndrome; MENTAL RETARDATION, X-LINKED 18; MENTAL RETARDATION, X-LINKED 78. Identifiers: Orphanet 777, MedGen C2931498, MONDO:0010656, OMIM 309530.

Allele frequency attached by ClinVar (database versions not stated): gnomAD exomes 0.00001 and below 0.00001; gnomAD 0.00001; TOPMed 0.00001.
gnomAD v4.1: 2 of 1,126,132 alleles (0.00018%); highest among the groups gnomAD compares: Non-Finnish European, 0.00024%; no homozygotes.

Submissions (2):

Labcorp Genetics (formerly Invitae), Labcorp
Classification: Likely benign for Intellectual developmental disorder, X-linked 1. Last evaluated: 2024-12-17. Review status: criteria provided, single submitter. Criteria: Invitae Variant Classification Sherloc (09022015). Collection method: clinical testing. Allele origin: germline.

GeneDx
Classification: Uncertain significance. Last evaluated: 2017-06-29. Review status: criteria provided, single submitter. Criteria: GeneDx Variant Classification (06012015). Collection method: clinical testing. Allele origin: germline. Affected: yes.
Comment: The P1183L variant has not been published as a pathogenic variant, nor has it been reported as a benign variant to our knowledge. The P1183L variant is not observed in large population cohorts (Lek et al., 2016; 1000 Genomes Consortium et al., 2015; Exome Variant Server). This variant is a semi-conservative amino acid substitution, which may impact secondary protein structure as these residues differ in some properties. This substitution occurs at a position that is conserved in mammals; however, missense variants in nearby residues have not been reported in the Human Gene Mutation Database in association with IQSEC2-related disorders (Stenson et al., 2014). In silico analysis is inconsistent in its predictions as to whether or not the variant is damaging to the protein structure/function.